The following is an entry in ClinVar:

NM_002734.5(PRKAR1A):c.917G>A (p.Arg306Gln)

Gene: PRKAR1A (protein kinase cAMP-dependent type I regulatory subunit alpha; plus strand). Cytogenetic location: 17q24.2.
Variant type: single nucleotide variant.
Coding change: c.917G>A on transcript NM_002734.5 (MANE Select); coding-DNA position 917, G replaced by A.
Protein change: p.Arg306Gln; replaces arginine 306 with glutamine.
Molecular consequence: missense variant.
Genome position (GRCh38, 1-based): chr17:68,529,945, G>A. VCF-style: chr17-68529945-G-A. GRCh37 (hg19) VCF-style: chr17-66526086-G-A.
Other names: c.917G>A, p.Arg306Gln (NM_001276289.2, NM_001276290.1, NM_001278433.2 and 4 more transcripts); short protein forms R306Q.
Identifiers: ClinVar variation 633375 (VCV000633375.4), dbSNP rs1568702564, ClinGen allele CA400754123.

ClinVar aggregate classification (germline): Uncertain significance. Review status: criteria provided, multiple submitters, no conflicts (2 of 4 stars). 2 submissions from 2 submitters: Uncertain significance (2). Last evaluated 2025-03-17.

Conditions:
Hereditary cancer-predisposing syndrome. Also called: Tumor predisposition; Neoplastic Syndromes, Hereditary; Hereditary neoplastic syndrome; Hereditary Cancer Syndrome. Identifiers: Orphanet 140162, MedGen C0027672, MeSH D009386, MONDO:0015356.

Allele frequency attached by ClinVar (database versions not stated): gnomAD exomes below 0.00001; TOPMed below 0.00001.

Submissions (2):

Ambry Genetics
Classification: Uncertain significance for Hereditary cancer-predisposing syndrome. Last evaluated: 2025-03-17. Review status: criteria provided, single submitter. Criteria: Ambry Variant Classification Scheme 2023. Collection method: clinical testing. Allele origin: germline.
Comment: The p.R306Q variant (also known as c.917G>A), located in coding exon 9 of the PRKAR1A gene, results from a G to A substitution at nucleotide position 917. The arginine at codon 306 is replaced by glutamine, an amino acid with highly similar properties. This amino acid position is highly conserved in available vertebrate species. In addition, the in silico prediction for this alteration is inconclusive. Based on the available evidence, the clinical significance of this variant remains unclear.

Women's Health and Genetics/Laboratory Corporation of America, LabCorp
Classification: Uncertain significance. Last evaluated: 2018-10-22. Review status: criteria provided, single submitter. Criteria: LabCorp Variant Classification Summary - May 2015. Collection method: clinical testing. Allele origin: germline.
Comment: Variant summary: PRKAR1A c.917G>A (p.Arg306Gln) results in a conservative amino acid change located in the Cyclic nucleotide-binding domain (IPR000595) of the encoded protein sequence. Four of five in-silico tools predict a benign effect of the variant on protein function. The variant was absent in 277188 control chromosomes (gnomAD). The available data on variant occurrences in the general population are insufficient to allow any conclusion about variant significance. To our knowledge, no occurrence of c.917G>A in individuals affected with Carney Complex and no experimental evidence demonstrating its impact on protein function have been reported. No clinical diagnostic laboratories have submitted clinical-significance assessments for this variant to ClinVar after 2014. Based on the evidence outlined above, the variant was classified as uncertain significance.